The following is an entry in ClinVar:

ClinVar aggregate classification (germline): Uncertain significance (1 of 4 stars; one submission).

Submission:

Labcorp Genetics (formerly Invitae), Labcorp
Classification: Uncertain significance. Last evaluated: 2021-04-23. Review status: criteria provided, single submitter. Criteria: Invitae Variant Classification Sherloc (09022015). Collection method: clinical testing. Allele origin: germline.
Comment: In summary, the available evidence is currently insufficient to determine the role of this variant in disease. Therefore, it has been classified as a Variant of Uncertain Significance. Algorithms developed to predict the effect of missense changes on protein structure and function are either unavailable or do not agree on the potential impact of this missense change (SIFT: "Not Available"; PolyPhen-2: "Possibly Damaging"; Align-GVGD: "Not Available"). This variant has not been reported in the literature in individuals with CDH3-related conditions. This variant is not present in population databases (ExAC no frequency). This sequence change replaces leucine with arginine at codon 572 of the CDH3 protein (p.Leu572Arg). The leucine residue is moderately conserved and there is a moderate physicochemical difference between leucine and arginine.

NM_001793.6(CDH3):c.1715T>G (p.Leu572Arg)

Gene: CDH3 (cadherin 3; plus strand). Cytogenetic location: 16q22.1.
Variant type: single nucleotide variant.
Coding change: c.1715T>G on transcript NM_001793.6 (MANE Select); coding-DNA position 1715, T replaced by G.
Protein change: p.Leu572Arg; replaces leucine 572 with arginine.
Molecular consequence: missense variant.
Genome position (GRCh38, 1-based): chr16:68,687,656, T>G. VCF-style: chr16-68687656-T-G. GRCh37 (hg19) VCF-style: chr16-68721559-T-G.
Other names: c.1715T>G, p.Leu572Arg (NM_001317195.3); c.1550T>G, p.Leu517Arg (NM_001317196.2); short protein forms L517R, L572R.
Identifiers: ClinVar variation 1507384 (VCV001507384.6), dbSNP rs2152103790, ClinGen allele CA396454869.